The following is an entry in ClinVar:

ClinVar aggregate classification (germline): Uncertain significance (1 of 4 stars; one submission).

Conditions:
Microcephaly, epilepsy, and diabetes syndrome. Identifiers: Orphanet 306558, MedGen C3280240, MONDO:0100328.

Allele frequency attached by ClinVar (database versions not stated): gnomAD exomes below 0.00001; gnomAD 0.00001; TOPMed 0.00003.

Submission:

Labcorp Genetics (formerly Invitae), Labcorp
Classification: Uncertain significance for Microcephaly, epilepsy, and diabetes syndrome. Last evaluated: 2022-08-10. Review status: criteria provided, single submitter. Criteria: Invitae Variant Classification Sherloc (09022015). Collection method: clinical testing. Allele origin: germline.
Comment: This sequence change creates a premature translational stop signal (p.His23Thrfs*30) in the IER3IP1 gene. While this is not anticipated to result in nonsense mediated decay, it is expected to disrupt the last 60 amino acid(s) of the IER3IP1 protein. This variant is not present in population databases (gnomAD no frequency). This variant has not been reported in the literature in individuals affected with IER3IP1-related conditions. ClinVar contains an entry for this variant (Variation ID: 862753). Experimental studies and prediction algorithms are not available or were not evaluated, and the functional significance of this variant is currently unknown. In summary, the available evidence is currently insufficient to determine the role of this variant in disease. Therefore, it has been classified as a Variant of Uncertain Significance.

NM_016097.5(IER3IP1):c.66del (p.His23fs)

Gene: IER3IP1 (immediate early response 3 interacting protein 1; minus strand). Cytogenetic location: 18q21.1.
Variant type: Deletion.
Coding change: c.66del on transcript NM_016097.5 (MANE Select); coding-DNA position 66, one base deleted (G; older notation c.66delG).
Protein change: p.His23fs; shifts the reading frame from histidine 23.
Molecular consequence: frameshift variant.
Genome position (GRCh38, 1-based): chr18:47,176,212, C deleted on the plus strand (G on the coding strand, the reverse complement: IER3IP1 is on the minus strand). VCF-style (leftmost placement, unchanged base first): chr18-47176211-GC-G. GRCh37 (hg19) VCF-style: chr18-44702582-GC-G.
Other names: short protein forms H23fs.
Identifiers: ClinVar variation 862753 (VCV000862753.5), dbSNP rs1235349731, ClinGen allele CA779860847.